The following is an entry in ClinVar:

NM_000275.3(OCA2):c.1340T>C (p.Leu447Pro)

Gene: OCA2 (OCA2 melanosomal transmembrane protein; minus strand). Cytogenetic location: 15q13.1.
Variant type: single nucleotide variant.
Coding change: c.1340T>C on transcript NM_000275.3 (MANE Select); coding-DNA position 1340, T replaced by C.
Protein change: p.Leu447Pro; replaces leucine 447 with proline.
Molecular consequence: missense variant.
Genome position (GRCh38, 1-based): chr15:27,985,088, A>G on the plus strand (T>C on the coding strand, the complement: OCA2 is on the minus strand). VCF-style: chr15-27985088-A-G. GRCh37 (hg19) VCF-style: chr15-28230234-A-G.
Other names: c.1268T>C, p.Leu423Pro (NM_001300984.2); short protein forms L423P, L447P.
Identifiers: ClinVar variation 2394236 (VCV002394236.4), dbSNP rs2548345135, ClinGen allele CA391360536.

ClinVar aggregate classification (germline): Conflicting classifications of pathogenicity. Review status: criteria provided, conflicting classifications (1 of 4 stars). 2 submissions from 2 submitters: Pathogenic (1); Uncertain significance (1). Last evaluated 2025-09-28.

Conditions:
Inborn genetic diseases. Identifiers: MedGen C0950123, MeSH D030342.

Submissions (2):

Labcorp Genetics (formerly Invitae), Labcorp
Classification: Pathogenic. Last evaluated: 2025-09-28. Review status: criteria provided, single submitter. Criteria: Invitae Variant Classification Sherloc (09022015). Collection method: clinical testing. Allele origin: germline.
Comment: This sequence change replaces leucine, which is neutral and non-polar, with proline, which is neutral and non-polar, at codon 447 of the OCA2 protein (p.Leu447Pro). This variant is not present in population databases (gnomAD no frequency). This missense change has been observed in individual(s) with ocular albinism (internal data). In at least one individual the data is consistent with being in trans (on the opposite chromosome) from a pathogenic variant. It has also been observed to segregate with disease in related individuals. ClinVar contains an entry for this variant (Variation ID: 2394236). Invitae Evidence Modeling of protein sequence and biophysical properties (such as structural, functional, and spatial information, amino acid conservation, physicochemical variation, residue mobility, and thermodynamic stability) indicates that this missense variant is expected to disrupt OCA2 protein function with a positive predictive value of 80%. For these reasons, this variant has been classified as Pathogenic.

Ambry Genetics
Classification: Uncertain significance for Inborn genetic diseases. Last evaluated: 2021-09-15. Review status: criteria provided, single submitter. Criteria: Ambry Variant Classification Scheme 2023. Collection method: clinical testing. Allele origin: germline.